The following is an entry in ClinVar:

NM_001379270.1(CNGA1):c.-91G>A

Genes: CNGA1 (cyclic nucleotide gated channel subunit alpha 1; minus strand), LOC101927157 (uncharacterized LOC101927157; plus strand). Cytogenetic location: 4p12.
Variant type: single nucleotide variant.
Coding change: c.-91G>A on transcript NM_001379270.1 (MANE Select); 91 bases upstream of the start codon, G replaced by A.
Molecular consequence: 5 prime UTR variant.
Genome position (GRCh38, 1-based): chr4:47,981,469, C>T on the plus strand (G>A on the coding strand, the complement: CNGA1 is on the minus strand). VCF-style: chr4-47981469-C-T. GRCh37 (hg19) VCF-style: chr4-47983486-C-T.
Other names: c.-91G>A (NM_000087.5); c.-296G>A (NM_001142564.2).
Identifiers: ClinVar variation 900313 (VCV000900313.4), dbSNP rs77428659, ClinGen allele CA96720772.
Genomic context (GRCh38, chr4:47,981,469, plus strand): 5'-AATATAACTTTGTCTTCTAGAAGTGGACGTCACTGGTGTATCCAAACAAACAGGGATATA[C>T]GGTAAATCTTGACATTGTCAAAATCCAGGCCCTAATTTTTTAAAAATAATAAACATGCTG-3'

ClinVar aggregate classification (germline): Likely benign (1 of 4 stars; one submission).

Conditions:
Retinitis pigmentosa (RP). Identifiers: Orphanet 791, MedGen C0035334, MeSH D012174, MONDO:0019200, OMIM 268000. Inheritance: Autosomal dominant, autosomal recessive and X linked inheritance.

Allele frequency attached by ClinVar (database versions not stated): TOPMed 0.01721; 1000 Genomes Project 0.02057; 1000 Genomes Project 30x 0.02358.

Submission:

Illumina Laboratory Services, Illumina
Classification: Likely benign for Retinitis pigmentosa. Last evaluated: 2018-01-13. Review status: criteria provided, single submitter. Criteria: ICSL Variant Classification Criteria 13 December 2019. Collection method: clinical testing. Allele origin: germline.
Comment: This variant was observed in the ICSL laboratory as part of a predisposition screen in an ostensibly healthy population. It had not been previously curated by ICSL or reported in the Human Gene Mutation Database (HGMD: prior to June 1st, 2018), and was therefore a candidate for classification through an automated scoring system. Utilizing variant allele frequency, disease prevalence and penetrance estimates, and inheritance mode, an automated score was calculated to assess if this variant is too frequent to cause the disease. Based on the score and internal cut-off values, a variant classified as likely benign is not then subjected to further curation. The score for this variant resulted in a classification of likely benign for this disease.